The following is an entry in ClinVar:

NM_172070.4(UBR3):c.2655T>C (p.Tyr885=)

Gene: UBR3 (ubiquitin protein ligase E3 component n-recognin 3; plus strand). Cytogenetic location: 2q31.1.
Variant type: single nucleotide variant.
Coding change: c.2655T>C on transcript NM_172070.4 (MANE Select); coding-DNA position 2655, T replaced by C.
Protein change: p.Tyr885=; no amino-acid change (tyrosine 885 retained).
Molecular consequence: synonymous variant.
Genome position (GRCh38, 1-based): chr2:169,933,000, T>C. VCF-style: chr2-169933000-T-C. GRCh37 (hg19) VCF-style: chr2-170789510-T-C.
Identifiers: ClinVar variation 3042698 (VCV003042698.2), dbSNP rs76364429, ClinGen allele CA1959948.

ClinVar aggregate classification (germline): Benign (0 of 4 stars; one submission).

Conditions:
UBR3-related disorder. Also called: UBR3-related condition.

Allele frequency attached by ClinVar (database versions not stated): gnomAD exomes 0.00018; gnomAD 0.00031; ExAC 0.00037; TOPMed 0.00046; 1000 Genomes Project 30x 0.00109; 1000 Genomes Project 0.00120.
gnomAD v4.1: 323 of 1,517,168 alleles (0.021%); highest among the groups gnomAD compares: East Asian, 0.6%; 1 homozygote.

Submission:

PreventionGenetics, part of Exact Sciences
Classification: Benign for UBR3-related condition. Last evaluated: 2019-07-01. Review status: no assertion criteria provided. Collection method: clinical testing. Allele origin: germline.
Comment: This variant is classified as benign based on ACMG/AMP sequence variant interpretation guidelines (Richards et al. 2015 PMID: 25741868, with internal and published modifications).